The following is an entry in ClinVar:

NM_006279.5(ST3GAL3):c.400A>T (p.Asn134Tyr)

Gene: ST3GAL3 (ST3 beta-galactoside alpha-2,3-sialyltransferase 3; plus strand). Cytogenetic location: 1p34.1.
Variant type: single nucleotide variant.
Coding change: c.400A>T on transcript NM_006279.5 (MANE Select); coding-DNA position 400, A replaced by T.
Protein change: p.Asn134Tyr; replaces asparagine 134 with tyrosine.
Molecular consequence: missense variant. On other transcripts: non-coding transcript variant (7), intron variant (4).
Genome position (GRCh38, 1-based): chr1:43,898,237, A>T. VCF-style: chr1-43898237-A-T. GRCh37 (hg19) VCF-style: chr1-44363909-A-T.
Other names: c.400A>T, p.Asn134Tyr (NM_001270459.2, NM_001350620.2, NM_174966.4); c.307A>T, p.Asn103Tyr (NM_001270460.2); c.352A>T, p.Asn118Tyr (NM_001270461.3, NM_001270464.3, NM_174969.4); c.259A>T, p.Asn87Tyr (NM_001270462.3); c.397A>T, p.Asn133Tyr (NM_001270463.3, NM_001270465.3); c.445A>T, p.Asn149Tyr (NM_001350619.2, NM_174964.4); c.121A>T, p.Asn41Tyr (NM_001350621.2); c.562A>T, p.Asn188Tyr (NM_001363573.2, NM_174968.5); and 6 more; short protein forms N203Y, N134Y, N118Y, N172Y, N188Y, N41Y, N149Y, N103Y.
Identifiers: ClinVar variation 408898 (VCV000408898.16), dbSNP rs201834329, ClinGen allele CA814688.

ClinVar aggregate classification (germline): Uncertain significance. Review status: criteria provided, multiple submitters, no conflicts (2 of 4 stars). 4 submissions from 4 submitters: Uncertain significance (4). Last evaluated 2025-12-04.

Conditions:
Inborn genetic diseases. Identifiers: MedGen C0950123, MeSH D030342.
Developmental and epileptic encephalopathy. Identifiers: MedGen C5779964, MONDO:0100620.
Intellectual developmental disorder, autosomal recessive 12. Also called: Intellectual disability, autosomal recessive 12. Identifiers: Orphanet 88616, MedGen C1970200, MONDO:0012612, OMIM 611090.
Developmental and epileptic encephalopathy, 15 (DEE15). Also called: Early infantile epileptic encephalopathy 15. Identifiers: Orphanet 3451, MedGen C3554316, MONDO:0014003, OMIM 615006.

Allele frequency attached by ClinVar (database versions not stated): ExAC 0.00010; gnomAD 0.00013; 1000 Genomes Project 30x 0.00031; 1000 Genomes Project 0.00020; ESP Exome Variant Server 0.00008; TOPMed 0.00019.
gnomAD v4.1: 170 of 1,613,940 alleles (0.011%); highest among the groups gnomAD compares: Admixed American, 0.085%; no homozygotes.

Submissions (4):

Ambry Genetics
Classification: Uncertain significance for Inborn genetic diseases. Last evaluated: 2025-12-04. Review status: criteria provided, single submitter. Criteria: Ambry Variant Classification Scheme 2023. Collection method: clinical testing. Allele origin: germline.

Labcorp Genetics (formerly Invitae), Labcorp
Classification: Uncertain significance for Early-infantile DEE. Last evaluated: 2022-10-18. Review status: criteria provided, single submitter. Criteria: Invitae Variant Classification Sherloc (09022015). Collection method: clinical testing. Allele origin: germline.
Comment: This sequence change replaces asparagine, which is neutral and polar, with tyrosine, which is neutral and polar, at codon 134 of the ST3GAL3 protein (p.Asn134Tyr). This variant is present in population databases (rs201834329, gnomAD 0.07%). This variant has not been reported in the literature in individuals affected with ST3GAL3-related conditions. ClinVar contains an entry for this variant (Variation ID: 408898). Algorithms developed to predict the effect of missense changes on protein structure and function are either unavailable or do not agree on the potential impact of this missense change (SIFT: "Deleterious"; PolyPhen-2: "Possibly Damaging"; Align-GVGD: "Class C0"). In summary, the available evidence is currently insufficient to determine the role of this variant in disease. Therefore, it has been classified as a Variant of Uncertain Significance.

Revvity Omics, Revvity
Classification: Uncertain significance. Last evaluated: 2020-12-17. Review status: criteria provided, single submitter. Criteria: ACMG Guidelines, 2015. Collection method: clinical testing. Allele origin: germline.

Fulgent Genetics
Classification: Uncertain significance for Intellectual developmental disorder, autosomal recessive 12; Developmental and epileptic encephalopathy, 15. Last evaluated: 2018-10-31. Review status: criteria provided, single submitter. Criteria: ACMG Guidelines, 2015. Collection method: clinical testing. Allele origin: unknown.